The following is an entry in ClinVar:

ClinVar aggregate classification (germline): Likely benign (1 of 4 stars; one submission).

Allele frequency attached by ClinVar (database versions not stated): ExAC 0.00001; gnomAD exomes 0.00002; gnomAD 0.00003.
gnomAD v4.1: 15 of 1,511,322 alleles (0.00099%); highest among the groups gnomAD compares: Non-Finnish European, 0.0013%; no homozygotes.

Submission:

CeGaT Center for Human Genetics Tuebingen
Classification: Likely benign. Last evaluated: 2023-01-01. Review status: criteria provided, single submitter. Criteria: CeGaT Center For Human Genetics Tuebingen Variant Classification Criteria Version 2. Collection method: clinical testing. Allele origin: germline. Affected: yes. Observed: 1 variant allele.
Comment: HYDIN: BP4, BP7

NM_001270974.2(HYDIN):c.10068G>A (p.Glu3356=)

Gene: HYDIN (HYDIN axonemal central pair apparatus protein; minus strand). Cytogenetic location: 16q22.2.
Variant type: single nucleotide variant.
Coding change: c.10068G>A on transcript NM_001270974.2 (MANE Select); coding-DNA position 10068, G replaced by A.
Protein change: p.Glu3356=; no amino-acid change (glutamic acid 3356 retained).
Molecular consequence: synonymous variant.
Genome position (GRCh38, 1-based): chr16:70,882,807, C>T on the plus strand (G>A on the coding strand, the complement: HYDIN is on the minus strand). VCF-style: chr16-70882807-C-T. GRCh37 (hg19) VCF-style: chr16-70916710-C-T.
Identifiers: ClinVar variation 2646721 (VCV002646721.24), dbSNP rs777933290, ClinGen allele CA8149390.